The following is an entry in ClinVar:

ClinVar aggregate classification (germline): Conflicting classifications of pathogenicity. Review status: criteria provided, conflicting classifications (1 of 4 stars). 2 submissions from 2 submitters: Uncertain significance (1); Likely benign (1). Last evaluated 2024-12-13.

Conditions:
Cardiovascular phenotype. Identifiers: MedGen CN230736.
Dilated cardiomyopathy 1DD (CMD1DD). Identifiers: Orphanet 154, MedGen C2750995, MONDO:0013168, OMIM 613172.

Allele frequency attached by ClinVar (database versions not stated): gnomAD 0.00001; TOPMed 0.00001; gnomAD exomes 0.00003; ExAC 0.00005.
gnomAD v4.1: 21 of 1,548,994 alleles (0.0014%); highest among the groups gnomAD compares: South Asian, 0.0048%; no homozygotes.

Submissions (2):

Labcorp Genetics (formerly Invitae), Labcorp
Classification: Likely benign for Dilated cardiomyopathy 1DD. Last evaluated: 2024-12-13. Review status: criteria provided, single submitter. Criteria: Invitae Variant Classification Sherloc (09022015). Collection method: clinical testing. Allele origin: germline.

Ambry Genetics
Classification: Uncertain significance for Cardiovascular phenotype. Last evaluated: 2023-07-05. Review status: criteria provided, single submitter. Criteria: Ambry Variant Classification Scheme 2023. Collection method: clinical testing. Allele origin: germline.
Comment: The p.L482V variant (also known as c.1444C>G), located in coding exon 5 of the RBM20 gene, results from a C to G substitution at nucleotide position 1444. The leucine at codon 482 is replaced by valine, an amino acid with highly similar properties. This amino acid position is conserved. In addition, this alteration is predicted to be tolerated by in silico analysis. Since supporting evidence is limited at this time, the clinical significance of this alteration remains unclear.

NM_001134363.3(RBM20):c.1444C>G (p.Leu482Val)

Gene: RBM20 (RNA binding motif protein 20; plus strand). Cytogenetic location: 10q25.2.
Variant type: single nucleotide variant.
Coding change: c.1444C>G on transcript NM_001134363.3 (MANE Select); coding-DNA position 1444, C replaced by G.
Protein change: p.Leu482Val; replaces leucine 482 with valine.
Molecular consequence: missense variant.
Genome position (GRCh38, 1-based): chr10:110,784,806, C>G. VCF-style: chr10-110784806-C-G. GRCh37 (hg19) VCF-style: chr10-112544564-C-G.
Other names: c.1444C>G (NM_001134363.1); short protein forms L482V.
Identifiers: ClinVar variation 1490807 (VCV001490807.7), dbSNP rs752506719, ClinGen allele CA5688602.